The following is an entry in ClinVar:

ClinVar aggregate classification (germline): Benign (1 of 4 stars; one submission).

Conditions:
Lynch syndrome 5 (LYNCH5). Also called: Colorectal cancer, hereditary nonpolyposis, type 5; Hereditary non-polyposis colorectal cancer, type 5. Identifiers: Orphanet 144, MedGen C1833477, MONDO:0013710, OMIM 614350. Disease mechanism: loss of function.

Submission:

Myriad Genetics, Inc.
Classification: Benign for Lynch syndrome 5. Last evaluated: 2024-12-30. Review status: criteria provided, single submitter. Criteria: Myriad Autosomal Dominant, Autosomal Recessive and X-Linked Classification Criteria (2023). Collection method: clinical testing. Allele origin: unknown.
Comment: This variant is considered benign. This variant is a silent/synonymous amino acid change and it is not expected to impact splicing.

NM_000179.3(MSH6):c.1872C>G (p.Gly624=)

Gene: MSH6 (mutS homolog 6; plus strand). Cytogenetic location: 2p16.3.
Variant type: single nucleotide variant.
Coding change: c.1872C>G on transcript NM_000179.3 (MANE Select); coding-DNA position 1872, C replaced by G.
Protein change: p.Gly624=; no amino-acid change (glycine 624 retained).
Molecular consequence: synonymous variant. On other transcripts: non-coding transcript variant (5), intron variant (2).
Genome position (GRCh38, 1-based): chr2:47,799,855, C>G. VCF-style: chr2-47799855-C-G. GRCh37 (hg19) VCF-style: chr2-48026994-C-G.
Other names: c.1482C>G, p.Gly494= (NM_001281492.2); c.966C>G, p.Gly322= (NM_001281493.2, NM_001281494.2, NM_001406811.1 and 6 more transcripts); c.1968C>G, p.Gly656= (NM_001406795.1, NM_001406802.1); c.1872C>G, p.Gly624= (NM_001406796.1, NM_001406798.1, NM_001406800.1 and 3 more transcripts); c.1575C>G, p.Gly525= (NM_001406797.1, NM_001406801.1, NM_001406805.1 and 10 more transcripts); c.1347C>G, p.Gly449= (NM_001406799.1, NM_001406806.1, NM_001406807.1); c.1794C>G, p.Gly598= (NM_001406804.1); c.1878C>G, p.Gly626= (NM_001406813.1); and 3 more.
Identifiers: ClinVar variation 3903974 (VCV003903974.1).